The following is an entry in ClinVar:

ClinVar aggregate classification (germline): Uncertain significance. Review status: criteria provided, multiple submitters, no conflicts (2 of 4 stars). 2 submissions from 2 submitters: Uncertain significance (2). Last evaluated 2025-11-11.

Conditions:
Melanoma, cutaneous malignant, susceptibility to, 8. Also called: Cutaneous malignant melanoma 8; MELANOMA AND RENAL CELL CARCINOMA, SUSCEPTIBILITY TO. Identifiers: Orphanet 293822, MedGen C3152204, MONDO:0013759, OMIM 614456.
Tietz syndrome (TADS). Also called: ALBINISM-DEAFNESS OF TIETZ; HYPOPIGMENTATION/DEAFNESS OF TIETZ; TIETZ ALBINISM-DEAFNESS SYNDROME. Identifiers: Orphanet 42665, MedGen C0391816, MONDO:0007077, OMIM 103500.
Waardenburg syndrome type 2A (WS2A). Also called: WAARDENBURG SYNDROME WITHOUT DYSTOPIA CANTHORUM. Identifiers: Orphanet 3440, MedGen C1860339, MONDO:0008671, OMIM 193510.
Hereditary cancer-predisposing syndrome. Also called: Neoplastic Syndromes, Hereditary; Tumor predisposition; Hereditary Cancer Syndrome; Hereditary neoplastic syndrome. Identifiers: Orphanet 140162, MedGen C0027672, MeSH D009386, MONDO:0015356.

Allele frequency attached by ClinVar (database versions not stated): gnomAD exomes below 0.00001; TOPMed below 0.00001.
gnomAD v4.1: 1 of 1,614,020 alleles (0.000062%); highest among the groups gnomAD compares: Non-Finnish European, 0.000085%; no homozygotes.

Submissions (2):

Labcorp Genetics (formerly Invitae), Labcorp
Classification: Uncertain significance for Melanoma, cutaneous malignant, susceptibility to, 8; Waardenburg syndrome type 2A; Tietz syndrome. Last evaluated: 2025-11-11. Review status: criteria provided, single submitter. Criteria: Invitae Variant Classification Sherloc (09022015). Collection method: clinical testing. Allele origin: germline.
Comment: This sequence change replaces glutamic acid, which is acidic and polar, with glutamine, which is neutral and polar, at codon 260 of the MITF protein (p.Glu260Gln). This variant is present in population databases (no rsID available, gnomAD 0.0009%). This variant has not been reported in the literature in individuals affected with MITF-related conditions. ClinVar contains an entry for this variant (Variation ID: 2942310). Invitae Evidence Modeling of protein sequence and biophysical properties (such as structural, functional, and spatial information, amino acid conservation, physicochemical variation, residue mobility, and thermodynamic stability) indicates that this missense variant is expected to disrupt MITF protein function with a positive predictive value of 80%. In summary, the available evidence is currently insufficient to determine the role of this variant in disease. Therefore, it has been classified as a Variant of Uncertain Significance.

Ambry Genetics
Classification: Uncertain significance for Hereditary cancer-predisposing syndrome. Last evaluated: 2025-11-04. Review status: criteria provided, single submitter. Criteria: Ambry Variant Classification Scheme 2023. Collection method: clinical testing. Allele origin: germline.
Comment: The p.E260Q variant (also known as c.778G>C), located in coding exon 8 of the MITF gene, results from a G to C substitution at nucleotide position 778. The glutamic acid at codon 260 is replaced by glutamine, an amino acid with highly similar properties. This amino acid position is conserved. In addition, this alteration is predicted to be deleterious by in silico analysis. Based on the available evidence, the clinical significance of this variant remains unclear.

NM_001354604.2(MITF):c.1099G>C (p.Glu367Gln)

Gene: MITF (melanocyte inducing transcription factor; plus strand). Cytogenetic location: 3p13.
Variant type: single nucleotide variant.
Coding change: c.1099G>C on transcript NM_001354604.2 (MANE Select); coding-DNA position 1099, G replaced by C.
Protein change: p.Glu367Gln; replaces glutamic acid 367 with glutamine.
Molecular consequence: missense variant.
Genome position (GRCh38, 1-based): chr3:69,959,340, G>C. VCF-style: chr3-69959340-G-C. GRCh37 (hg19) VCF-style: chr3-70008491-G-C.
Other names: c.778G>C, p.Glu260Gln (NM_000248.4); c.925G>C, p.Glu309Gln (NM_001184967.2, NM_001354608.2); c.1096G>C, p.Glu366Gln (NM_001354605.2); c.1078G>C, p.Glu360Gln (NM_001354606.2, NM_006722.3); c.1030G>C, p.Glu344Gln (NM_001354607.2); c.760G>C, p.Glu254Gln (NM_198158.3); c.1081G>C, p.Glu361Gln (NM_198159.3); c.1033G>C, p.Glu345Gln (NM_198177.3); and 1 more; short protein forms E260Q, E345Q, E366Q, E367Q, E254Q, E360Q, E309Q, E344Q.
Identifiers: ClinVar variation 2942310 (VCV002942310.4), dbSNP rs1296775950, ClinGen allele CA353562021.
Genomic context (GRCh38, chr3:69,959,340, plus strand): 5'-CGCTGGAACAAGGGAACCATCTTAAAAGCATCCGTGGACTATATCCGAAAGTTGCAACGA[G>C]AACAGCAACGCGCAAAAGAACTTGAAAACCGACAGAAGAAACTGGAGCACGCCAACCGGC-3'
Protein context (NP_001341533.1, residues 357-377): SVDYIRKLQR[Glu367Gln]QQRAKELENR